The following is an entry in ClinVar:

NM_001199107.2(TBC1D24):c.1509C>T (p.Ser503=)

Gene: TBC1D24 (TBC1 domain family member 24; plus strand). Cytogenetic location: 16p13.3.
Variant type: single nucleotide variant.
Coding change: c.1509C>T on transcript NM_001199107.2 (MANE Select); coding-DNA position 1509, C replaced by T.
Protein change: p.Ser503=; no amino-acid change (serine 503 retained).
Molecular consequence: synonymous variant.
Genome position (GRCh38, 1-based): chr16:2,500,474, C>T. VCF-style: chr16-2500474-C-T. GRCh37 (hg19) VCF-style: chr16-2550475-C-T.
Other names: p.S497S:AGC>AGT; p.Ser503=; c.1491C>T, p.Ser497= (NM_020705.3).
Identifiers: ClinVar variation 130538 (VCV000130538.40), dbSNP rs189089167, ClinGen allele CA289063.

ClinVar aggregate classification (germline): Benign/Likely benign. Review status: criteria provided, multiple submitters, no conflicts (2 of 4 stars). 14 submissions from 14 submitters: Benign (9); Likely benign (2). 3 of the submissions do not count toward it. Last evaluated 2026-02-03.

Conditions:
Familial infantile myoclonic epilepsy (FIME). Also called: Epilepsy, Myoclonic, Infantile; TBC1D24-Related Familial Infantile Myoclonic Epilepsy (FIME). Identifiers: Orphanet 352582, MedGen C0917800, MONDO:0011506, OMIM 605021.
Developmental and epileptic encephalopathy, 1 (DEE1). Also called: INFANTILE SPASM SYNDROME, X-LINKED 1; Epileptic encephalopathy, early infantile, 1; X-linked infantile spasms; West's syndrome; Tonic spasms with clustering, arrest of psychomotor development and hypsarrhythmia on EEG; X-Linked Infantile Spasm Syndrome. Identifiers: MedGen C3463992, MONDO:0010632, OMIM 308350. Disease mechanism: loss of function.
Autosomal dominant nonsyndromic hearing loss 65. Also called: TBC1D24-Related Autosomal Dominant Nonsyndromic Hearing Loss (DFNA); Deafness, autosomal dominant 65. Identifiers: Orphanet 90635, MedGen C3892048, MONDO:0014470, OMIM 616044.
Rolandic epilepsy-paroxysmal exercise-induced dystonia-writer's cramp syndrome. Also called: TBC1D24-Related Rolandic Epilepsy with Paroxysmal Exercise-Induced Dystonia and Writer's Cramp (EPRPDC); RE-PED-WC. Identifiers: Orphanet 163727, MedGen C1842531, MONDO:0011970, OMIM 608105.
Developmental and epileptic encephalopathy, 16 (DEE16). Also called: Early infantile epileptic encephalopathy 16; TBC1D24-Related Developmental and Epileptic Encephalopathy (DEE). Identifiers: Orphanet 293181, Orphanet 352596, MedGen C3809173, MONDO:0014133, OMIM 615338.
DOORS syndrome (DOORS). Also called: Digitorenocerebral syndrome; DEAFNESS, ONYCHODYSTROPHY, OSTEODYSTROPHY, IMPAIRED INTELLECTUAL DEVELOPMENT, AND SEIZURES SYNDROME; DOORS Syndrome (Deafness, Onychodystrophy, Osteodystrophy, Mental Retardation, and Seizures); DRC SYNDROME; BRACHYDACTYLY DUE TO ABSENCE OF DISTAL PHALANGES; ERONEN SYNDROME. Identifiers: Orphanet 3231, Orphanet 79500, MedGen C0795934, MONDO:0009079, OMIM 220500. Disease mechanism: loss of function.
Autosomal recessive nonsyndromic hearing loss 86 (DFNB86). Also called: TBC1D24-Related Autosomal Recessive Nonsyndromic Hearing Loss (DFNB); Deafness , autosomal recessive 86. Identifiers: Orphanet 90636, MedGen C2829265, MONDO:0013826, OMIM 614617.
Inborn genetic diseases. Identifiers: MedGen C0950123, MeSH D030342.

Allele frequency attached by ClinVar (database versions not stated): gnomAD exomes 0.00209 and 0.00421; ExAC 0.00597; ESP Exome Variant Server 0.00965; gnomAD 0.01056 and 0.01110; 1000 Genomes Project 0.01118; 1000 Genomes Project 30x 0.01202; TOPMed 0.01205.
gnomAD v4.1: 4,806 of 1,574,478 alleles (0.31%); highest among the groups gnomAD compares: African/African-American, 3.2%; 59 homozygotes.

Submissions (16):

Labcorp Genetics (formerly Invitae), Labcorp
Classification: Benign for Developmental and epileptic encephalopathy, 1; Autosomal dominant nonsyndromic hearing loss 65. Last evaluated: 2026-02-03. Review status: criteria provided, single submitter. Criteria: Invitae Variant Classification Sherloc (09022015). Collection method: clinical testing. Allele origin: germline.

Blueprint Genetics
Classification: Likely benign. Last evaluated: 2024-11-25. Review status: criteria provided, single submitter. Criteria: ACMG Guidelines, 2015. Collection method: clinical testing. Allele origin: germline.

Athena Diagnostics
Classification: Benign. Last evaluated: 2024-06-06. Review status: criteria provided, single submitter. Criteria: Athena Diagnostics Criteria. Collection method: clinical testing. Allele origin: unknown.

Fulgent Genetics
Classification: Likely benign for DOORS syndrome; Familial infantile myoclonic epilepsy; Rolandic epilepsy-paroxysmal exercise-induced dystonia-writer's cramp syndrome; Autosomal recessive nonsyndromic hearing loss 86; Developmental and epileptic encephalopathy, 16; Autosomal dominant nonsyndromic hearing loss 65. Last evaluated: 2022-04-08. Review status: criteria provided, single submitter. Criteria: ACMG Guidelines, 2015. Collection method: clinical testing. Allele origin: unknown.

Mayo Clinic Laboratories, Mayo Clinic
Classification: Benign. Last evaluated: 2019-01-07. Review status: criteria provided, single submitter. Criteria: ACMG Guidelines, 2015. Collection method: clinical testing. Allele origin: germline. Observed: 10 variant alleles.

Illumina Laboratory Services, Illumina
Classification: Benign for Familial infantile myoclonic epilepsy. Last evaluated: 2018-01-12. Review status: criteria provided, single submitter. Criteria: ICSL Variant Classification Criteria 13 December 2019. Collection method: clinical testing. Allele origin: germline.
Comment: This variant was observed in the ICSL laboratory as part of a predisposition screen in an ostensibly healthy population. It had not been previously curated by ICSL or reported in the Human Gene Mutation Database (HGMD: prior to June 1st, 2018), and was therefore a candidate for classification through an automated scoring system. Utilizing variant allele frequency, disease prevalence and penetrance estimates, and inheritance mode, an automated score was calculated to assess if this variant is too frequent to cause the disease. Based on the score and internal cut-off values, a variant classified as benign is not then subjected to further curation. The score for this variant resulted in a classification of benign for this disease.

Ambry Genetics
Classification: Benign for Inborn genetic diseases. Last evaluated: 2016-01-08. Review status: criteria provided, single submitter. Criteria: Ambry Variant Classification Scheme 2023. Collection method: clinical testing. Allele origin: germline.

Eurofins Ntd Llc (ga)
Classification: Benign. Last evaluated: 2015-04-21. Review status: criteria provided, single submitter. Criteria: EGL Classification Definitions 2015. Collection method: clinical testing. Allele origin: germline. Observed: 1 variant allele, 1 heterozygote.

Laboratory for Molecular Medicine, Mass General Brigham Personalized Medicine
Classification: Benign. Last evaluated: 2015-01-13. Review status: criteria provided, single submitter. Criteria: LMM Criteria. Collection method: clinical testing. Allele origin: germline. Observed: 11 variant alleles.
Comment: p.Ser503Ser in exon 7 of TBC1D24: This variant is not expected to have clinical significance because it does not alter an amino acid residue and is not located within the splice consensus sequence. It has been identified in 2.7% (106/3960) of African American chromosomes from a broad population by the NHLBI Exome Seque ncing Project (dbSNP rs189089167).

GeneDx
Classification: Benign. Last evaluated: 2013-12-06. Review status: criteria provided, single submitter. Criteria: GeneDx Variant Classification (06012015). Collection method: clinical testing. Allele origin: germline. Affected: yes.
Comment: This variant is considered likely benign or benign based on one or more of the following criteria: it is a conservative change, it occurs at a poorly conserved position in the protein, it is predicted to be benign by multiple in silico algorithms, and/or has population frequency not consistent with disease.

Breakthrough Genomics
Classification: Benign. Review status: criteria provided, single submitter. Criteria: ACMG Guidelines, 2015. Collection method: not provided. Allele origin: germline. Inheritance: Autosomal recessive inheritance. Affected: yes.

Clinical Genetics DNA and cytogenetics Diagnostics Lab, Erasmus MC, Erasmus Medical Center
Classification: Likely benign. Review status: no assertion criteria provided. Collection method: clinical testing. Allele origin: germline. Affected: yes. Study: VKGL Data-share Consensus. Not counted in ClinVar's aggregate classification.

Dr. Peter K. Rogan Lab, Western University
No classification provided (evidence only). Condition: Malignant tumor of urinary bladder. Review status: no classification provided. Collection method: in vitro. Allele origin: not applicable. Functional consequence: retained intron. Not counted in ClinVar's aggregate classification.

Dr. Peter K. Rogan Lab, Western University
No classification provided (evidence only). Condition: Malignant tumor of urinary bladder. Review status: no classification provided. Collection method: in vitro. Allele origin: not applicable. Functional consequence: retained intron. Not counted in ClinVar's aggregate classification.

Genetic Services Laboratory, University of Chicago
Classification: Likely benign for AllHighlyPenetrant. Review status: no assertion criteria provided. Collection method: clinical testing. Allele origin: germline. Inheritance: Autosomal recessive inheritance. Not counted in ClinVar's aggregate classification.
Comment: Likely benign based on allele frequency in 1000 Genomes Project or ESP global frequency and its presence in a patient with a rare or unrelated disease phenotype. NOT Sanger confirmed.

Genome Diagnostics Laboratory, University Medical Center Utrecht
Classification: Likely benign. Review status: no assertion criteria provided. Collection method: clinical testing. Allele origin: germline. Affected: yes. Study: VKGL Data-share Consensus. Not counted in ClinVar's aggregate classification.